The following is an entry in ClinVar:

ClinVar aggregate classification (germline): Conflicting classifications of pathogenicity. Review status: criteria provided, conflicting classifications (1 of 4 stars). 2 submissions from 2 submitters: Uncertain significance (1); Likely benign (1). Last evaluated 2026-04-04.

Conditions:
Cardiovascular phenotype. Identifiers: MedGen CN230736.
Telangiectasia, hereditary hemorrhagic, type 2 (HHT2). Also called: Telangiectasia, hereditary hemorrhagic, type II; ACVRL1-Related Hereditary Hemorrhagic Telangiectasia. Identifiers: Orphanet 774, MedGen C1838163, MONDO:0010880, OMIM 600376. Disease mechanism: loss of function.

Allele frequency attached by ClinVar (database versions not stated): gnomAD 0.00001; gnomAD exomes 0.00001 and 0.00004; TOPMed 0.00002; ExAC 0.00002.
gnomAD v4.1: 15 of 1,612,982 alleles (0.00093%); highest among the groups gnomAD compares: Middle Eastern, 0.033%; no homozygotes.

Submissions (2):

Ambry Genetics
Classification: Likely benign for Cardiovascular phenotype. Last evaluated: 2026-04-04. Review status: criteria provided, single submitter. Criteria: Ambry Variant Classification Scheme 2023. Collection method: clinical testing. Allele origin: germline.

Labcorp Genetics (formerly Invitae), Labcorp
Classification: Uncertain significance for Telangiectasia, hereditary hemorrhagic, type 2. Last evaluated: 2022-10-25. Review status: criteria provided, single submitter. Criteria: Invitae Variant Classification Sherloc (09022015). Collection method: clinical testing. Allele origin: germline.
Comment: This sequence change replaces glycine, which is neutral and non-polar, with serine, which is neutral and polar, at codon 365 of the ACVRL1 protein (p.Gly365Ser). This variant is present in population databases (rs749510030, gnomAD 0.02%). This variant has not been reported in the literature in individuals affected with ACVRL1-related conditions. ClinVar contains an entry for this variant (Variation ID: 647514). Advanced modeling of protein sequence and biophysical properties (such as structural, functional, and spatial information, amino acid conservation, physicochemical variation, residue mobility, and thermodynamic stability) performed at Invitae indicates that this missense variant is expected to disrupt ACVRL1 protein function. In summary, the available evidence is currently insufficient to determine the role of this variant in disease. Therefore, it has been classified as a Variant of Uncertain Significance.

NM_000020.3(ACVRL1):c.1093G>A (p.Gly365Ser)

Gene: ACVRL1 (activin A receptor like type 1; plus strand). Cytogenetic location: 12q13.13.
Variant type: single nucleotide variant.
Coding change: c.1093G>A on transcript NM_000020.3 (MANE Select); coding-DNA position 1093, G replaced by A.
Protein change: p.Gly365Ser; replaces glycine 365 with serine.
Molecular consequence: missense variant.
Genome position (GRCh38, 1-based): chr12:51,916,080, G>A. VCF-style: chr12-51916080-G-A. GRCh37 (hg19) VCF-style: chr12-52309864-G-A.
Other names: c.1093G>A, p.Gly365Ser (NM_001077401.2); short protein forms G365S.
Identifiers: ClinVar variation 647514 (VCV000647514.8), dbSNP rs749510030, ClinGen allele CA6573066.